The following is an entry in ClinVar:

NM_000202.8(IDS):c.1649C>A (p.Pro550His)

Gene: IDS (iduronate 2-sulfatase; minus strand). Cytogenetic location: Xq28.
Variant type: single nucleotide variant.
Coding change: c.1649C>A on transcript NM_000202.8 (MANE Select); coding-DNA position 1649, C replaced by A.
Protein change: p.Pro550His; replaces proline 550 with histidine.
Molecular consequence: missense variant.
Genome position (GRCh38, 1-based): chrX:149,482,750, G>T on the plus strand (C>A on the coding strand, the complement: IDS is on the minus strand). VCF-style: chrX-149482750-G-T. GRCh37 (hg19) VCF-style: chrX-148564281-G-T.
Other names: c.1379C>A, p.Pro460His (NM_001166550.4); short protein forms P550H, P460H.
Identifiers: ClinVar variation 2109570 (VCV002109570.4), dbSNP rs782041174, ClinGen allele CA414517610.
Genomic context (GRCh38, chrX:149,482,750, plus strand): 5'-TCCTCTCACCAGCTGGAAGGGAGCACATCACATTTGCCATCCATGGTTGGCAAAACTCAA[G>T]GCATCAACAACTGGAAAAGATCTCCACCTTGGGAATCATTATACATATTGTGATCCTGCA-3'
Protein context (NP_000193.1, residues 540-550): QGGDLFQLLM[Pro550His]

ClinVar aggregate classification (germline): Uncertain significance (1 of 4 stars; one submission).

Conditions:
Mucopolysaccharidosis, MPS-II (MPS2). Also called: Mucopolysaccharidosis with skin involvement; Hunter Syndrome; IDURONATE 2-SULFATASE DEFICIENCY; Mucopolysaccharidosis Type II; IDS deficiency; Sulfoiduronate sulfatase deficiency. Identifiers: Orphanet 580, Orphanet 79388, MedGen C0026705, MONDO:0010674, OMIM 309900.

Submission:

Labcorp Genetics (formerly Invitae), Labcorp
Classification: Uncertain significance for Mucopolysaccharidosis, MPS-II. Last evaluated: 2022-03-13. Review status: criteria provided, single submitter. Criteria: Invitae Variant Classification Sherloc (09022015). Collection method: clinical testing. Allele origin: germline.
Comment: In summary, the available evidence is currently insufficient to determine the role of this variant in disease. Therefore, it has been classified as a Variant of Uncertain Significance. Algorithms developed to predict the effect of missense changes on protein structure and function are either unavailable or do not agree on the potential impact of this missense change (SIFT: "Tolerated"; PolyPhen-2: "Probably Damaging"; Align-GVGD: "Class C0"). This variant has not been reported in the literature in individuals affected with IDS-related conditions. This variant is not present in population databases (gnomAD no frequency). This sequence change replaces proline, which is neutral and non-polar, with histidine, which is basic and polar, at codon 550 of the IDS protein (p.Pro550His).